The following is an entry in ClinVar:

NM_145038.5(DRC1):c.1841C>T (p.Pro614Leu)

Gene: DRC1 (dynein regulatory complex subunit 1; plus strand). Cytogenetic location: 2p23.3.
Variant type: single nucleotide variant.
Coding change: c.1841C>T on transcript NM_145038.5 (MANE Select); coding-DNA position 1841, C replaced by T.
Protein change: p.Pro614Leu; replaces proline 614 with leucine.
Molecular consequence: missense variant.
Genome position (GRCh38, 1-based): chr2:26,453,471, C>T. VCF-style: chr2-26453471-C-T. GRCh37 (hg19) VCF-style: chr2-26676339-C-T.
Other names: short protein forms P614L.
Identifiers: ClinVar variation 941186 (VCV000941186.10), dbSNP rs1664060879, ClinGen allele CA346120226.

ClinVar aggregate classification (germline): Uncertain significance (1 of 4 stars; one submission).

Conditions:
Primary ciliary dyskinesia. Also called: Ciliary dyskinesia. Identifiers: Orphanet 244, MedGen C0008780, MONDO:0016575, HP:0012265.

Allele frequency attached by ClinVar (database versions not stated): gnomAD exomes below 0.00001; TOPMed below 0.00001.
gnomAD v4.1: 4 of 1,614,072 alleles (0.00025%); highest among the groups gnomAD compares: African/African-American, 0.0013%; no homozygotes.

Submission:

Labcorp Genetics (formerly Invitae), Labcorp
Classification: Uncertain significance for Primary ciliary dyskinesia. Last evaluated: 2019-09-28. Review status: criteria provided, single submitter. Criteria: Invitae Variant Classification Sherloc (09022015). Collection method: clinical testing. Allele origin: germline.
Comment: In summary, the available evidence is currently insufficient to determine the role of this variant in disease. Therefore, it has been classified as a Variant of Uncertain Significance. Algorithms developed to predict the effect of missense changes on protein structure and function output the following: SIFT: "Tolerated"; PolyPhen-2: "Benign"; Align-GVGD: "Class C0". The leucine amino acid residue is found in multiple mammalian species, suggesting that this missense change does not adversely affect protein function. These predictions have not been confirmed by published functional studies and their clinical significance is uncertain. This variant has not been reported in the literature in individuals with DRC1-related conditions. This variant is not present in population databases (ExAC no frequency). This sequence change replaces proline with leucine at codon 614 of the DRC1 protein (p.Pro614Leu). The proline residue is weakly conserved and there is a moderate physicochemical difference between proline and leucine.